The following is an entry in ClinVar:

NM_002392.6(MDM2):c.1121A>G (p.Asn374Ser)

Gene: MDM2 (MDM2 proto-oncogene; plus strand). Cytogenetic location: 12q15.
Variant type: single nucleotide variant.
Coding change: c.1121A>G on transcript NM_002392.6 (MANE Select); coding-DNA position 1121, A replaced by G.
Protein change: p.Asn374Ser; replaces asparagine 374 with serine.
Molecular consequence: missense variant.
Genome position (GRCh38, 1-based): chr12:68,839,476, A>G. VCF-style: chr12-68839476-A-G. GRCh37 (hg19) VCF-style: chr12-69233256-A-G.
Other names: c.962A>G, p.Asn321Ser (NM_001145337.3); c.956A>G, p.Asn319Ser (NM_001145339.2); c.515A>G, p.Asn172Ser (NM_001145340.3); c.593A>G, p.Asn198Ser (NM_001278462.2); c.1103A>G, p.Asn368Ser (NM_001367990.1); c.1121A>G (NM_002392.3); short protein forms N172S, N198S, N319S, N321S, N368S, N374S.
Identifiers: ClinVar variation 1058916 (VCV001058916.10), dbSNP rs553794444, ClinGen allele CA6678864.

ClinVar aggregate classification (germline): Uncertain significance. Review status: criteria provided, multiple submitters, no conflicts (2 of 4 stars). 2 submissions from 2 submitters: Uncertain significance (2). Last evaluated 2025-08-09.

Conditions:
Accelerated tumor formation, susceptibility to (ACTFS). Identifiers: MedGen C3280690, OMIM 614401, MONDO:0013733.

Allele frequency attached by ClinVar (database versions not stated): gnomAD 0.00002; gnomAD exomes 0.00002 and 0.00012; ExAC 0.00012; TOPMed 0.00015.
gnomAD v4.1: 38 of 1,613,956 alleles (0.0024%); highest among the groups gnomAD compares: Admixed American, 0.063%; no homozygotes.

Submissions (2):

Ambry Genetics
Classification: Uncertain significance. Last evaluated: 2025-08-09. Review status: criteria provided, single submitter. Criteria: Ambry Variant Classification Scheme 2023. Collection method: clinical testing. Allele origin: germline.

Labcorp Genetics (formerly Invitae), Labcorp
Classification: Uncertain significance for Accelerated tumor formation, susceptibility to. Last evaluated: 2025-07-30. Review status: criteria provided, single submitter. Criteria: Invitae Variant Classification Sherloc (09022015). Collection method: clinical testing. Allele origin: germline.
Comment: This sequence change replaces asparagine, which is neutral and polar, with serine, which is neutral and polar, at codon 374 of the MDM2 protein (p.Asn374Ser). This variant is present in population databases (rs553794444, gnomAD 0.09%), and has an allele count higher than expected for a pathogenic variant. This variant has not been reported in the literature in individuals affected with MDM2-related conditions. ClinVar contains an entry for this variant (Variation ID: 1058916). An algorithm developed to predict the effect of missense changes on protein structure and function outputs the following: PolyPhen-2: "Benign". The serine amino acid residue is found in multiple mammalian species, which suggests that this missense change does not adversely affect protein function. In summary, the available evidence is currently insufficient to determine the role of this variant in disease. Therefore, it has been classified as a Variant of Uncertain Significance.